The following is an entry in ClinVar:

NM_001354604.2(MITF):c.474G>C (p.Leu158Phe)

Gene: MITF (melanocyte inducing transcription factor; plus strand). Cytogenetic location: 3p13.
Variant type: single nucleotide variant.
Coding change: c.474G>C on transcript NM_001354604.2 (MANE Select); coding-DNA position 474, G replaced by C.
Protein change: p.Leu158Phe; replaces leucine 158 with phenylalanine.
Molecular consequence: missense variant. On other transcripts: intron variant (1).
Genome position (GRCh38, 1-based): chr3:69,937,941, G>C. VCF-style: chr3-69937941-G-C. GRCh37 (hg19) VCF-style: chr3-69987092-G-C.
Other names: c.153G>C, p.Leu51Phe (NM_000248.4, NM_001184968.2, NM_198158.3); c.318G>C, p.Leu106Phe (NM_001184967.2, NM_001354608.2); c.471G>C, p.Leu157Phe (NM_001354605.2, NM_001354606.2, NM_006722.3); c.423G>C, p.Leu141Phe (NM_001354607.2); c.474G>C, p.Leu158Phe (NM_198159.3); c.426G>C, p.Leu142Phe (NM_198177.3); c.93+60G>C (NM_198178.3); short protein forms L106F, L141F, L142F, L157F, L158F, L51F.
Identifiers: ClinVar variation 3757464 (VCV003757464.2).

ClinVar aggregate classification (germline): Uncertain significance (1 of 4 stars; one submission).

Conditions:
Tietz syndrome (TADS). Also called: HYPOPIGMENTATION/DEAFNESS OF TIETZ; TIETZ ALBINISM-DEAFNESS SYNDROME; ALBINISM-DEAFNESS OF TIETZ. Identifiers: Orphanet 42665, MedGen C0391816, MONDO:0007077, OMIM 103500.
Waardenburg syndrome type 2A (WS2A). Also called: WAARDENBURG SYNDROME WITHOUT DYSTOPIA CANTHORUM. Identifiers: Orphanet 3440, MedGen C1860339, MONDO:0008671, OMIM 193510.
Melanoma, cutaneous malignant, susceptibility to, 8. Also called: MELANOMA AND RENAL CELL CARCINOMA, SUSCEPTIBILITY TO; Cutaneous malignant melanoma 8. Identifiers: Orphanet 293822, MedGen C3152204, MONDO:0013759, OMIM 614456.

Submission:

Labcorp Genetics (formerly Invitae), Labcorp
Classification: Uncertain significance for Melanoma, cutaneous malignant, susceptibility to, 8; Waardenburg syndrome type 2A; Tietz syndrome. Last evaluated: 2024-07-30. Review status: criteria provided, single submitter. Criteria: Invitae Variant Classification Sherloc (09022015). Collection method: clinical testing. Allele origin: germline.
Comment: This sequence change replaces leucine, which is neutral and non-polar, with phenylalanine, which is neutral and non-polar, at codon 51 of the MITF protein (p.Leu51Phe). This variant is not present in population databases (gnomAD no frequency). This variant has not been reported in the literature in individuals affected with MITF-related conditions. Advanced modeling of protein sequence and biophysical properties (such as structural, functional, and spatial information, amino acid conservation, physicochemical variation, residue mobility, and thermodynamic stability) performed at Invitae indicates that this missense variant is not expected to disrupt MITF protein function with a negative predictive value of 80%. In summary, the available evidence is currently insufficient to determine the role of this variant in disease. Therefore, it has been classified as a Variant of Uncertain Significance.